The following is an entry in ClinVar:

ClinVar aggregate classification (germline): Likely benign. Review status: criteria provided, multiple submitters, no conflicts (2 of 4 stars). 2 submissions from 2 submitters: Likely benign (2). Last evaluated 2025-12-15.

Conditions:
NEFL-related disorder. Also called: NEFL-related condition.
Charcot-Marie-Tooth disease type 2E (CMT2E). Also called: CHARCOT-MARIE-TOOTH DISEASE, AXONAL, TYPE 2E; CHARCOT-MARIE-TOOTH NEUROPATHY, TYPE 2E. Identifiers: Orphanet 99939, MedGen C1843225, MONDO:0011894, OMIM 607684.

Allele frequency attached by ClinVar (database versions not stated): 1000 Genomes Project 30x 0.00062; ExAC 0.00015; ESP Exome Variant Server 0.00023; gnomAD 0.00029 and 0.00030; TOPMed 0.00034; 1000 Genomes Project 0.00060; gnomAD exomes 0.00002 and 0.00008.

Submissions (2):

PreventionGenetics, part of Exact Sciences
Classification: Likely benign for NEFL-related condition. Last evaluated: 2025-12-15. Review status: criteria provided, single submitter. Criteria: ACMG Guidelines, 2015. Collection method: clinical testing. Allele origin: germline.
Comment: This variant is classified as likely benign based on ACMG/AMP sequence variant interpretation guidelines (Richards et al. 2015 PMID: 25741868, with internal and published modifications).

Labcorp Genetics (formerly Invitae), Labcorp
Classification: Likely benign for Charcot-Marie-Tooth disease type 2E. Last evaluated: 2024-10-03. Review status: criteria provided, single submitter. Criteria: Invitae Variant Classification Sherloc (09022015). Collection method: clinical testing. Allele origin: germline.

NM_006158.5(NEFL):c.207G>A (p.Glu69=)

Gene: NEFL (neurofilament light chain; minus strand). Cytogenetic location: 8p21.2.
Variant type: single nucleotide variant.
Coding change: c.207G>A on transcript NM_006158.5 (MANE Select); coding-DNA position 207, G replaced by A.
Protein change: p.Glu69=; no amino-acid change (glutamic acid 69 retained).
Molecular consequence: synonymous variant.
Genome position (GRCh38, 1-based): chr8:24,956,309, C>T on the plus strand (G>A on the coding strand, the complement: NEFL is on the minus strand). VCF-style: chr8-24956309-C-T. GRCh37 (hg19) VCF-style: chr8-24813823-C-T.
Identifiers: ClinVar variation 417207 (VCV000417207.11), dbSNP rs367732440, ClinGen allele CA4681542.